The following is an entry in ClinVar:

NM_020999.4(NEUROG3):c.191G>T (p.Arg64Leu)

Gene: NEUROG3 (neurogenin 3; minus strand). Cytogenetic location: 10q22.1.
Variant type: single nucleotide variant.
Coding change: c.191G>T on transcript NM_020999.4 (MANE Select); coding-DNA position 191, G replaced by T.
Protein change: p.Arg64Leu; replaces arginine 64 with leucine.
Molecular consequence: missense variant.
Genome position (GRCh38, 1-based): chr10:69,572,853, C>A on the plus strand (G>T on the coding strand, the complement: NEUROG3 is on the minus strand). VCF-style: chr10-69572853-C-A. GRCh37 (hg19) VCF-style: chr10-71332609-C-A.
Other names: short protein forms R64L.
Identifiers: ClinVar variation 2188008 (VCV002188008.4), dbSNP rs377216129, ClinGen allele CA5533754.
Genomic context (GRCh38, chr10:69,572,853, plus strand): 5'-CGACTCCGTCGCTGCTTGCTCAGTGCCAACTCGCTCTTAGGCCGGCTGCGTCCCCCGCGC[C>A]GTGCCCGGAGCTTCCTCGGGGCCCCTCGGCAGCCTCCCTCTTCCGCCTCTGCGCAGTTCC-3'
Protein context (NP_066279.2, residues 54-74): CRGAPRKLRA[Arg64Leu]RGGRSRPKSE

ClinVar aggregate classification (germline): Uncertain significance (1 of 4 stars; one submission).

Allele frequency attached by ClinVar (database versions not stated): 1000 Genomes Project 30x 0.00016; 1000 Genomes Project 0.00020.
gnomAD v4.1: 15 of 1,610,000 alleles (0.00093%); highest among the groups gnomAD compares: East Asian, 0.0022%; no homozygotes.

Submission:

Labcorp Genetics (formerly Invitae), Labcorp
Classification: Uncertain significance. Last evaluated: 2023-12-11. Review status: criteria provided, single submitter. Criteria: Invitae Variant Classification Sherloc (09022015). Collection method: clinical testing. Allele origin: germline.
Comment: This sequence change replaces arginine, which is basic and polar, with leucine, which is neutral and non-polar, at codon 64 of the NEUROG3 protein (p.Arg64Leu). This variant is present in population databases (rs377216129, gnomAD 0.006%). This variant has not been reported in the literature in individuals affected with NEUROG3-related conditions. ClinVar contains an entry for this variant (Variation ID: 2188008). An algorithm developed to predict the effect of missense changes on protein structure and function (PolyPhen-2) suggests that this variant is likely to be disruptive. In summary, the available evidence is currently insufficient to determine the role of this variant in disease. Therefore, it has been classified as a Variant of Uncertain Significance.